The following is an entry in ClinVar:

ClinVar aggregate classification (germline): Uncertain significance. Review status: criteria provided, multiple submitters, no conflicts (2 of 4 stars). 2 submissions from 2 submitters: Uncertain significance (2). Last evaluated 2026-07-29.

Conditions:
Developmental and epileptic encephalopathy, 32 (DEE32). Also called: Epileptic encephalopathy, early infantile, 32. Identifiers: Orphanet 442835, MedGen C4225350, MONDO:0014607, OMIM 616366.

Submissions (2):

GeneDx
Classification: Uncertain significance. Last evaluated: 2026-07-29. Review status: criteria provided, single submitter. Criteria: GeneDx Variant Classification Process June 2021. Collection method: clinical testing. Allele origin: germline.
Comment: Not observed at significant frequency in large population cohorts (gnomAD); In silico analysis supports that this missense variant has a deleterious effect on protein structure/function; Has not been previously published as pathogenic or benign to our knowledge

Labcorp Genetics (formerly Invitae), Labcorp
Classification: Uncertain significance for Developmental and epileptic encephalopathy, 32. Last evaluated: 2022-08-16. Review status: criteria provided, single submitter. Criteria: Invitae Variant Classification Sherloc (09022015). Collection method: clinical testing. Allele origin: germline.
Comment: In summary, the available evidence is currently insufficient to determine the role of this variant in disease. Therefore, it has been classified as a Variant of Uncertain Significance. This sequence change replaces phenylalanine, which is neutral and non-polar, with leucine, which is neutral and non-polar, at codon 416 of the KCNA2 protein (p.Phe416Leu). This variant is not present in population databases (gnomAD no frequency). This variant has not been reported in the literature in individuals affected with KCNA2-related conditions. ClinVar contains an entry for this variant (Variation ID: 1061921). Advanced modeling of protein sequence and biophysical properties (such as structural, functional, and spatial information, amino acid conservation, physicochemical variation, residue mobility, and thermodynamic stability) performed at Invitae indicates that this missense variant is expected to disrupt KCNA2 protein function.

NM_004974.4(KCNA2):c.1248C>A (p.Phe416Leu)

Gene: KCNA2 (potassium voltage-gated channel subfamily A member 2; minus strand). Cytogenetic location: 1p13.3.
Variant type: single nucleotide variant.
Coding change: c.1248C>A on transcript NM_004974.4 (MANE Select); coding-DNA position 1248, C replaced by A.
Protein change: p.Phe416Leu; replaces phenylalanine 416 with leucine.
Molecular consequence: missense variant. On other transcripts: intron variant (1).
Genome position (GRCh38, 1-based): chr1:110,603,535, G>T on the plus strand (C>A on the coding strand, the complement: KCNA2 is on the minus strand). VCF-style: chr1-110603535-G-T. GRCh37 (hg19) VCF-style: chr1-111146157-G-T.
Other names: c.894+354C>A (NM_001204269.2); short protein forms F416L.
Identifiers: ClinVar variation 1061921 (VCV001061921.12), dbSNP rs2101396138, ClinGen allele CA341601146.